The following is an entry in ClinVar:

NM_001378454.1(ALMS1):c.11948C>G (p.Pro3983Arg)

Genes: ALMS1 (ALMS1 centrosome and basal body associated protein; plus strand), LOC126806252 (BRD4-independent group 4 enhancer GRCh37_chr2:73828496-73829695; plus strand). Cytogenetic location: 2p13.1.
Variant type: single nucleotide variant.
Coding change: c.11948C>G on transcript NM_001378454.1 (MANE Select); coding-DNA position 11948, C replaced by G.
Protein change: p.Pro3983Arg; replaces proline 3983 with arginine.
Molecular consequence: missense variant.
Genome position (GRCh38, 1-based): chr2:73,601,270, C>G. VCF-style: chr2-73601270-C-G. GRCh37 (hg19) VCF-style: chr2-73828397-C-G.
Other names: c.11951C>G, p.Pro3984Arg (NM_015120.4); short protein forms P3983R, P3984R.
Identifiers: ClinVar variation 1946480 (VCV001946480.5), dbSNP rs754031448, ClinGen allele CA50337290.

ClinVar aggregate classification (germline): Uncertain significance. Review status: criteria provided, multiple submitters, no conflicts (2 of 4 stars). 2 submissions from 2 submitters: Uncertain significance (2). Last evaluated 2025-04-03.

Conditions:
Cardiovascular phenotype. Identifiers: MedGen CN230736.
Alstrom syndrome (ALMS). Identifiers: Orphanet 64, MedGen C0268425, MONDO:0008763, OMIM 203800.

Allele frequency attached by ClinVar (database versions not stated): TOPMed below 0.00001; gnomAD 0.00001.
gnomAD v4.1: 7 of 1,614,118 alleles (0.00043%); highest among the groups gnomAD compares: African/African-American, 0.0013%; no homozygotes.

Submissions (2):

Ambry Genetics
Classification: Uncertain significance for Cardiovascular phenotype. Last evaluated: 2025-04-03. Review status: criteria provided, single submitter. Criteria: Ambry Variant Classification Scheme 2023. Collection method: clinical testing. Allele origin: germline.
Comment: The p.P3984R variant (also known as c.11951C>G), located in coding exon 19 of the ALMS1 gene, results from a C to G substitution at nucleotide position 11951. The proline at codon 3984 is replaced by arginine, an amino acid with dissimilar properties. This amino acid position is well conserved in available vertebrate species. In addition, the in silico prediction for this alteration is inconclusive. Based on the available evidence, the clinical significance of this variant remains unclear.

Labcorp Genetics (formerly Invitae), Labcorp
Classification: Uncertain significance for Alstrom syndrome. Last evaluated: 2022-03-14. Review status: criteria provided, single submitter. Criteria: Invitae Variant Classification Sherloc (09022015). Collection method: clinical testing. Allele origin: germline.
Comment: This sequence change replaces proline, which is neutral and non-polar, with arginine, which is basic and polar, at codon 3984 of the ALMS1 protein (p.Pro3984Arg). This variant is not present in population databases (gnomAD no frequency). This variant has not been reported in the literature in individuals affected with ALMS1-related conditions. Experimental studies and prediction algorithms are not available or were not evaluated, and the functional significance of this variant is currently unknown. In summary, the available evidence is currently insufficient to determine the role of this variant in disease. Therefore, it has been classified as a Variant of Uncertain Significance.